The following is an entry in ClinVar:

NM_014495.4(ANGPTL3):c.109T>A (p.Phe37Ile)

Genes: ANGPTL3 (angiopoietin like 3; plus strand), DOCK7 (dedicator of cytokinesis 7; minus strand). Cytogenetic location: 1p31.3.
Variant type: single nucleotide variant.
Coding change: c.109T>A on transcript NM_014495.4 (MANE Select); coding-DNA position 109, T replaced by A.
Protein change: p.Phe37Ile; replaces phenylalanine 37 with isoleucine.
Molecular consequence: missense variant. On other transcripts: intron variant (7).
Genome position (GRCh38, 1-based): chr1:62,597,675, T>A. VCF-style: chr1-62597675-T-A. GRCh37 (hg19) VCF-style: chr1-63063346-T-A.
Other names: c.1683-11051A>T (NM_001272001.2, NM_001272000.2, NM_033407.4 and 4 more transcripts); short protein forms F37I.
Identifiers: ClinVar variation 3778449 (VCV003778449.7).

ClinVar aggregate classification (germline): Uncertain significance (1 of 4 stars; one submission).

Submission:

CeGaT Center for Human Genetics Tuebingen
Classification: Uncertain significance. Last evaluated: 2025-03-01. Review status: criteria provided, single submitter. Criteria: CeGaT Center For Human Genetics Tuebingen Variant Classification Criteria Version 2. Collection method: clinical testing. Allele origin: germline. Affected: yes. Observed: 1 variant allele.
Comment: ANGPTL3: PM2